The following is an entry in ClinVar:

ClinVar aggregate classification (germline): Pathogenic (1 of 4 stars; one submission).

Conditions:
Baller-Gerold syndrome (BGS). Also called: CRANIOSYNOSTOSIS WITH RADIAL DEFECTS. Identifiers: Orphanet 1225, MedGen C0265308, MONDO:0009039, OMIM 218600.

Submission:

Labcorp Genetics (formerly Invitae), Labcorp
Classification: Pathogenic for Baller-Gerold syndrome. Last evaluated: 2025-07-22. Review status: criteria provided, single submitter. Criteria: Invitae Variant Classification Sherloc (09022015). Collection method: clinical testing. Allele origin: germline.
Comment: This sequence change creates a premature translational stop signal (p.Lys1048Glyfs*5) in the RECQL4 gene. It is expected to result in an absent or disrupted protein product. Loss-of-function variants in RECQL4 are known to be pathogenic (PMID: 12734318, 12952869). This variant is present in population databases (rs773765879, gnomAD 0.0009%). This variant has not been reported in the literature in individuals affected with RECQL4-related conditions. Algorithms developed to predict the effect of sequence changes on RNA splicing suggest that this variant may disrupt the consensus splice site. For these reasons, this variant has been classified as Pathogenic.

Literature cited by the submitters: PubMed 12734318; PubMed 12952869.

NM_004260.4(RECQL4):c.3141_3142del (p.Lys1048fs)

Gene: RECQL4 (RecQ like helicase 4; minus strand). Cytogenetic location: 8q24.3.
Variant type: Microsatellite.
Coding change: c.3141_3142del on transcript NM_004260.4 (MANE Select); coding-DNA positions 3141 to 3142, 2 bases deleted (GA; older notation c.3141_3142delGA).
Protein change: p.Lys1048fs; shifts the reading frame from lysine 1048.
Molecular consequence: frameshift variant.
Genome position (GRCh38, 1-based): chr8:144,512,238-144,512,239, TC deleted on the plus strand (GA on the coding strand, the reverse complement: RECQL4 is on the minus strand); deleting any 2 consecutive bases within chr8:144,512,238-144,512,241 gives the same sequence; the c. name uses the placement nearest the transcript's 3' end. VCF-style (leftmost placement, unchanged base first): chr8-144512237-TTC-T. GRCh37 (hg19) VCF-style: chr8-145737620-TTC-T.
Other names: c.3141_3142delGA (NM_004260.3); short protein forms K1048fs.
Identifiers: ClinVar variation 649113 (VCV000649113.5), dbSNP rs773765879, ClinGen allele CA4947915.